The following is an entry in ClinVar:

NM_000719.7(CACNA1C):c.6320G>A (p.Arg2107Gln)

Genes: CACNA1C (calcium voltage-gated channel subunit alpha1 C; plus strand), CACNA1C-AS1 (CACNA1C antisense RNA 1; minus strand). Cytogenetic location: 12p13.33.
Variant type: single nucleotide variant.
Coding change: c.6320G>A on transcript NM_000719.7 (MANE Select); coding-DNA position 6320, G replaced by A.
Protein change: p.Arg2107Gln; replaces arginine 2107 with glutamine.
Molecular consequence: missense variant. On other transcripts: non-coding transcript variant (1).
Genome position (GRCh38, 1-based): chr12:2,691,102, G>A. VCF-style: chr12-2691102-G-A. GRCh37 (hg19) VCF-style: chr12-2800268-G-A.
Other names: c.6464G>A, p.Arg2155Gln (NM_001129827.2); c.6443G>A, p.Arg2148Gln (NM_001129829.2); c.6425G>A, p.Arg2142Gln (NM_001129830.3, NM_001167624.3); c.6404G>A, p.Arg2135Gln (NM_001129831.2); c.6380G>A, p.Arg2127Gln (NM_001129832.2); c.6377G>A, p.Arg2126Gln (NM_001129833.2, NM_001129834.2, NM_001129835.2); c.6371G>A, p.Arg2124Gln (NM_001129836.2); c.6344G>A, p.Arg2115Gln (NM_001129837.2, NM_001129838.2); and 6 more; short protein forms R2113Q, R2115Q, R2126Q, R2148Q, R2190Q, R2104Q, R2127Q, R2167Q.
Identifiers: ClinVar variation 1752850 (VCV001752850.3), dbSNP rs552013761, ClinGen allele CA383387258.

ClinVar aggregate classification (germline): Uncertain significance. Review status: criteria provided, multiple submitters, no conflicts (2 of 4 stars). 2 submissions from 2 submitters: Uncertain significance (2). Last evaluated 2025-11-03.

Conditions:
Long QT syndrome (LQTS). Identifiers: MedGen C0023976, MeSH D008133, MONDO:0002442. Disease mechanism: loss of function. Inheritance: Various modes of inheritance.
Cardiovascular phenotype. Identifiers: MedGen CN230736.

gnomAD v4.1: 1 of 1,611,890 alleles (0.000062%); highest among the groups gnomAD compares: Middle Eastern, 0.017%; no homozygotes.

Submissions (2):

Labcorp Genetics (formerly Invitae), Labcorp
Classification: Uncertain significance for Long QT syndrome. Last evaluated: 2025-11-03. Review status: criteria provided, single submitter. Criteria: Invitae Variant Classification Sherloc (09022015). Collection method: clinical testing. Allele origin: germline.
Comment: This sequence change replaces arginine, which is basic and polar, with glutamine, which is neutral and polar, at codon 2107 of the CACNA1C protein (p.Arg2107Gln). This variant is not present in population databases (gnomAD no frequency). This variant has not been reported in the literature in individuals affected with CACNA1C-related conditions. ClinVar contains an entry for this variant (Variation ID: 1752850). Invitae Evidence Modeling of protein sequence and biophysical properties (such as structural, functional, and spatial information, amino acid conservation, physicochemical variation, residue mobility, and thermodynamic stability) indicates that this missense variant is not expected to disrupt CACNA1C protein function with a negative predictive value of 95%. In summary, the available evidence is currently insufficient to determine the role of this variant in disease. Therefore, it has been classified as a Variant of Uncertain Significance.

Ambry Genetics
Classification: Uncertain significance for Cardiovascular phenotype. Last evaluated: 2021-04-13. Review status: criteria provided, single submitter. Criteria: Ambry Variant Classification Scheme 2023. Collection method: clinical testing. Allele origin: germline.
Comment: The p.R2107Q variant (also known as c.6320G>A), located in coding exon 47 of the CACNA1C gene, results from a G to A substitution at nucleotide position 6320. The arginine at codon 2107 is replaced by glutamine, an amino acid with highly similar properties. This amino acid position is not well conserved in available vertebrate species, and glutamine is the reference amino acid in other vertebrate species. In addition, this alteration is predicted to be tolerated by in silico analysis. Since supporting evidence is limited at this time, the clinical significance of this alteration remains unclear.